The following is an entry in ClinVar:

NM_001374736.1(DST):c.13187A>C (p.Gln4396Pro)

Gene: DST (dystonin; minus strand). Cytogenetic location: 6p12.1.
Variant type: single nucleotide variant.
Coding change: c.13187A>C on transcript NM_001374736.1 (MANE Select); coding-DNA position 13187, A replaced by C.
Protein change: p.Gln4396Pro; replaces glutamine 4396 with proline.
Molecular consequence: missense variant.
Genome position (GRCh38, 1-based): chr6:56,573,728, T>G on the plus strand (A>C on the coding strand, the complement: DST is on the minus strand). VCF-style: chr6-56573728-T-G. GRCh37 (hg19) VCF-style: chr6-56438526-T-G.
Other names: c.6830A>C, p.Gln2277Pro (NM_001144769.5); c.6416A>C, p.Gln2139Pro (NM_001144770.2); c.13187A>C, p.Gln4396Pro (NM_001374722.1); c.12554A>C, p.Gln4185Pro (NM_001374729.1); c.6296A>C, p.Gln2099Pro (NM_001374730.1, NM_183380.4); c.13214A>C, p.Gln4405Pro (NM_001374734.1); c.5318A>C, p.Gln1773Pro (NM_015548.5); short protein forms Q1773P, Q4405P, Q2099P, Q2139P, Q2277P, Q4185P, Q4396P.
Identifiers: ClinVar variation 972539 (VCV000972539.8), dbSNP rs192539811, ClinGen allele CA3868267.

ClinVar aggregate classification (germline): Uncertain significance. Review status: criteria provided, multiple submitters, no conflicts (2 of 4 stars). 2 submissions from 2 submitters: Uncertain significance (2). Last evaluated 2026-01-05.

Conditions:
Epidermolysis bullosa simplex 3, localized or generalized intermediate, with BP230 deficiency (EBS3). Also called: Epidermolysis bullosa simplex due to BP230 deficiency; Epidermolysis bullosa simplex, autosomal recessive 2. Identifiers: Orphanet 412181, MedGen C3809470, MONDO:0014180, OMIM 615425.
Hereditary sensory and autonomic neuropathy type 6. Also called: Neuropathy, hereditary sensory and autonomic, type VI; HSAN VI. Identifiers: Orphanet 314381, MedGen C3539003, MONDO:0013839, OMIM 614653.
Inborn genetic diseases. Identifiers: MedGen C0950123, MeSH D030342.

Allele frequency attached by ClinVar (database versions not stated): gnomAD exomes 0.00002 and 0.00005; ExAC 0.00006; gnomAD 0.00028; 1000 Genomes Project 0.00080; TOPMed 0.00080; 1000 Genomes Project 30x 0.00109.
gnomAD v4.1: 77 of 1,613,724 alleles (0.0048%); highest among the groups gnomAD compares: Admixed American, 0.072%; no homozygotes.

Submissions (2):

Labcorp Genetics (formerly Invitae), Labcorp
Classification: Uncertain significance for Epidermolysis bullosa simplex 3, localized or generalized intermediate, with BP230 deficiency; Hereditary sensory and autonomic neuropathy type 6. Last evaluated: 2026-01-05. Review status: criteria provided, single submitter. Criteria: Invitae Variant Classification Sherloc (09022015). Collection method: clinical testing. Allele origin: germline.
Comment: The DST gene has multiple clinically relevant transcripts. This variant occurs in alternate transcript NM_015548.4, and corresponds to NM_001723.5:c.*41789A>C in the primary transcript. This sequence change replaces glutamine, which is neutral and polar, with proline, which is neutral and non-polar, at codon 1773 of the DST protein (p.Gln1773Pro). This variant is present in population databases (rs192539811, gnomAD 0.02%). This variant has not been reported in the literature in individuals affected with DST-related conditions. ClinVar contains an entry for this variant (Variation ID: 972539). An algorithm developed to predict the effect of missense changes on protein structure and function outputs the following: PolyPhen-2: "Not Available". The proline amino acid residue is found in multiple mammalian species, which suggests that this missense change does not adversely affect protein function. In summary, the available evidence is currently insufficient to determine the role of this variant in disease. Therefore, it has been classified as a Variant of Uncertain Significance.

Ambry Genetics
Classification: Uncertain significance for Inborn genetic diseases. Last evaluated: 2019-11-27. Review status: criteria provided, single submitter. Criteria: Ambry Variant Classification Scheme 2023. Collection method: clinical testing. Allele origin: germline.
Comment: The p.Q2277P variant (also known as c.6830A>C), located in coding exon 45 of the DST gene, results from an A to C substitution at nucleotide position 6830. The glutamine at codon 2277 is replaced by proline, an amino acid with similar properties. This amino acid position is well conserved in available vertebrate species; however, proline is the reference amino acid in other vertebrate species. In addition, this alteration is predicted to be tolerated by in silico analysis. Since supporting evidence is limited at this time, the clinical significance of this alteration remains unclear.